The following is an entry in ClinVar:

NM_014215.3(INSRR):c.835C>T (p.Arg279Cys)

Genes: INSRR (insulin receptor related receptor; minus strand), NTRK1 (neurotrophic receptor tyrosine kinase 1; plus strand). Cytogenetic location: 1q23.1.
Variant type: single nucleotide variant.
Coding change: c.835C>T on transcript NM_014215.3 (MANE Select); coding-DNA position 835, C replaced by T.
Protein change: p.Arg279Cys; replaces arginine 279 with cysteine.
Molecular consequence: missense variant. On other transcripts: intron variant (1).
Genome position (GRCh38, 1-based): chr1:156,851,994, G>A on the plus strand (C>T on the coding strand, the complement: INSRR is on the minus strand). VCF-style: chr1-156851994-G-A. GRCh37 (hg19) VCF-style: chr1-156821786-G-A.
Other names: c.122+9801G>A (NM_001007792.1); short protein forms R279C.
Identifiers: ClinVar variation 736971 (VCV000736971.7), dbSNP rs150841787, ClinGen allele CA1168584.

ClinVar aggregate classification (germline): Likely benign. Review status: criteria provided, multiple submitters, no conflicts (2 of 4 stars). 2 submissions from 2 submitters: Likely benign (2). Last evaluated 2026-06-01.

Allele frequency attached by ClinVar (database versions not stated): gnomAD exomes 0.00019; 1000 Genomes Project 30x 0.00047; 1000 Genomes Project 0.00040; ESP Exome Variant Server 0.00054; TOPMed 0.00053.
gnomAD v4.1: 180 of 1,612,076 alleles (0.011%); highest among the groups gnomAD compares: African/African-American, 0.2%; no homozygotes.

Submissions (2):

CeGaT Center for Human Genetics Tuebingen
Classification: Likely benign. Last evaluated: 2026-06-01. Review status: criteria provided, single submitter. Criteria: CeGaT Center For Human Genetics Tuebingen Variant Classification Criteria Version 2. Collection method: clinical testing. Allele origin: germline. Affected: yes. Observed: 1 variant allele.
Comment: INSRR: BP4

Labcorp Genetics (formerly Invitae), Labcorp
Classification: Likely benign. Last evaluated: 2018-07-31. Review status: criteria provided, single submitter. Criteria: Invitae Variant Classification Sherloc (09022015). Collection method: clinical testing. Allele origin: germline.